The following is an entry in ClinVar:

ClinVar aggregate classification (germline): Benign. Review status: criteria provided, multiple submitters, no conflicts (2 of 4 stars). 3 submissions from 2 submitters: Benign (3). Last evaluated 2018-01-13.

Conditions:
Mitochondrial complex IV deficiency, nuclear type 1 (MC4DN1). Also called: COX DEFICIENCY; Mitochondrial complex IV deficiency; Complex 4 mitochondrial respiratory chain deficiency; Deficiency of mitochondrial respiratory chain complex4; Complex IV deficiency. Identifiers: MedGen C5435656, MONDO:0700250, OMIM 220110. Disease mechanism: loss of function.
Leigh syndrome (NULS). Also called: Leigh Disease; Subacute necrotizing encephalopathy; Necrotizing encephalopathy infantile subacute of Leigh; Leigh's necrotizing encephalopathy; Leigh's disease; Leigh's syndrome. Identifiers: Orphanet 506, MedGen C2931891, MONDO:0009723, OMIM 256000.

Allele frequency attached by ClinVar (database versions not stated): TOPMed 0.15098; gnomAD 0.15800 and 0.16238; gnomAD exomes 0.18576; 1000 Genomes Project 30x 0.19207; 1000 Genomes Project 0.19908.
gnomAD v4.1: 48,245 of 279,602 alleles (17%); highest among the groups gnomAD compares: East Asian, 38%; 4,848 homozygotes.

Submissions (3):

Illumina Laboratory Services, Illumina
Classification: Benign for Leigh syndrome. Last evaluated: 2018-01-13. Review status: criteria provided, single submitter. Criteria: ICSL Variant Classification Criteria 13 December 2019. Collection method: clinical testing. Allele origin: germline.
Comment: This variant was observed in the ICSL laboratory as part of a predisposition screen in an ostensibly healthy population. It had not been previously curated by ICSL or reported in the Human Gene Mutation Database (HGMD: prior to June 1st, 2018), and was therefore a candidate for classification through an automated scoring system. Utilizing variant allele frequency, disease prevalence and penetrance estimates, and inheritance mode, an automated score was calculated to assess if this variant is too frequent to cause the disease. Based on the score and internal cut-off values, a variant classified as benign is not then subjected to further curation. The score for this variant resulted in a classification of benign for this disease.

Illumina Laboratory Services, Illumina
Classification: Benign for Mitochondrial complex IV deficiency, nuclear type 1. Last evaluated: 2018-01-13. Review status: criteria provided, single submitter. Criteria: ICSL Variant Classification Criteria 13 December 2019. Collection method: clinical testing. Allele origin: germline.
Comment: the same text as in the submission from Illumina Laboratory Services, Illumina above.

Breakthrough Genomics
Classification: Benign. Review status: criteria provided, single submitter. Criteria: ACMG Guidelines, 2015. Collection method: not provided. Allele origin: germline. Inheritance: Autosomal recessive inheritance. Affected: yes.

NM_001303.4(COX10):c.*322T>C

Gene: COX10 (cytochrome c oxidase assembly factor heme A:farnesyltransferase COX10; plus strand). Cytogenetic location: 17p12.
Variant type: single nucleotide variant.
Coding change: c.*322T>C on transcript NM_001303.4 (MANE Select); 322 bases downstream of the stop codon, T replaced by C.
Molecular consequence: 3 prime UTR variant.
Genome position (GRCh38, 1-based): chr17:14,207,535, T>C. VCF-style: chr17-14207535-T-C. GRCh37 (hg19) VCF-style: chr17-14110852-T-C.
Identifiers: ClinVar variation 321823 (VCV000321823.6), dbSNP rs11078233, ClinGen allele CA10644884.